The following is an entry in ClinVar:

ClinVar aggregate classification (germline): Uncertain significance (1 of 4 stars; one submission).

Conditions:
Cardiovascular phenotype. Identifiers: MedGen CN230736.

gnomAD v4.1: 2 of 1,576,802 alleles (0.00013%); highest among the groups gnomAD compares: Non-Finnish European, 0.00017%; no homozygotes.

Submission:

Ambry Genetics
Classification: Uncertain significance for Cardiovascular phenotype. Last evaluated: 2024-12-17. Review status: criteria provided, single submitter. Criteria: Ambry Variant Classification Scheme 2023. Collection method: clinical testing. Allele origin: germline.
Comment: The p.G1057V variant (also known as c.3170G>T), located in coding exon 7 of the TNXB gene, results from a G to T substitution at nucleotide position 3170. The glycine at codon 1057 is replaced by valine, an amino acid with dissimilar properties. This amino acid position is conserved. In addition, this alteration is predicted to be tolerated by in silico analysis. Based on the available evidence, the clinical significance of this variant remains unclear.

NM_001365276.2(TNXB):c.3170G>T (p.Gly1057Val)

Gene: TNXB (tenascin XB; minus strand). Cytogenetic location: 6p21.33.
Variant type: single nucleotide variant.
Coding change: c.3170G>T on transcript NM_001365276.2 (MANE Select); coding-DNA position 3170, G replaced by T.
Protein change: p.Gly1057Val; replaces glycine 1057 with valine.
Molecular consequence: missense variant.
Genome position (GRCh38, 1-based): chr6:32,084,688, C>A on the plus strand (G>T on the coding strand, the complement: TNXB is on the minus strand). VCF-style: chr6-32084688-C-A. GRCh37 (hg19) VCF-style: chr6-32052465-C-A.
Other names: c.3911G>T, p.Gly1304Val (NM_001428335.1); c.3170G>T, p.Gly1057Val (NM_019105.8); short protein forms G1304V, G1057V.
Identifiers: ClinVar variation 3809314 (VCV003809314.1).